The following is an entry in ClinVar:

NM_001267550.2(TTN):c.51503G>A (p.Trp17168Ter)

Genes: TTN (titin; minus strand), TTN-AS1 (TTN antisense RNA 1; plus strand). Cytogenetic location: 2q31.2.
Variant type: single nucleotide variant.
Coding change: c.51503G>A on transcript NM_001267550.2 (MANE Select); coding-DNA position 51503, G replaced by A.
Protein change: p.Trp17168Ter; replaces tryptophan 17168 with a stop codon.
Molecular consequence: nonsense.
Genome position (GRCh38, 1-based): chr2:178,609,920, C>T on the plus strand (G>A on the coding strand, the complement: TTN is on the minus strand). VCF-style: chr2-178609920-C-T. GRCh37 (hg19) VCF-style: chr2-179474647-C-T.
Other names: p.Trp14600*; c.46580G>A, p.Trp15527Ter (NM_001256850.1); c.24308G>A, p.Trp8103Ter (NM_003319.4); c.43799G>A, p.Trp14600Ter (NM_133378.4); c.24683G>A, p.Trp8228Ter (NM_133432.3); c.24884G>A, p.Trp8295Ter (NM_133437.4); short protein forms W17168*, W14600*, W15527*, W8228*, W8295*, W8103*.
Identifiers: ClinVar variation 1791159 (VCV001791159.3), dbSNP rs2470411842, ClinGen allele CA349585142.
Genomic context (GRCh38, chr2:178,609,920, plus strand): 5'-GCAATCTTCTCTATGATGTAGCCCATTATCTTGCTCCCTCCATCATACAAAGGTGGCTTC[C>T]ATGTAATAGTCATTGCCTCCGCTGTAGGATTATGAACCTCTACATCTACAGGTGGATCAG-3'

ClinVar aggregate classification (germline): Likely pathogenic. Review status: criteria provided, multiple submitters, no conflicts (2 of 4 stars). 2 submissions from 2 submitters: Likely pathogenic (2). Last evaluated 2025-06-26.

Conditions:
Cardiovascular phenotype. Identifiers: MedGen CN230736.

Submissions (2):

Mayo Clinic Laboratories, Mayo Clinic
Classification: Likely pathogenic. Last evaluated: 2025-06-26. Review status: criteria provided, single submitter. Criteria: ACMG Guidelines, 2015. Collection method: clinical testing. Allele origin: germline. Observed: 1 variant allele.
Comment: PM2_supporting, PVS1

Ambry Genetics
Classification: Likely pathogenic for Cardiovascular phenotype. Last evaluated: 2021-04-23. Review status: criteria provided, single submitter. Criteria: Ambry Variant Classification Scheme 2023. Collection method: clinical testing. Allele origin: germline.
Comment: The p.W8103* variant (also known as c.24308G>A), located in coding exon 99 of the TTN gene, results from a G to A substitution at nucleotide position 24308. This changes the amino acid from a tryptophan to a stop codon within coding exon 99. This exon is located in the A-band region of the N2-B isoform of the titin protein and is constitutively expressed in TTN transcripts (percent spliced in or PSI 100%). A different nucleotide change resulting in the same protein impact (referred to as NM_001267550.1:c.51504G>A, p.W17168*) co-occurred with a second variant in the TTN gene in an individual with pediatric onset skeletal myopathy without cardiovascular involvement at the time of study (Yu M et al. Ann Clin Transl Neurol, 2019 07;6:1311-1318). This alteration is expected to result in loss of function by premature protein truncation or nonsense-mediated mRNA decay. While truncating variants in TTN are present in 1-3% of the general population, truncating variants in the A-band are the most common cause of dilated cardiomyopathy (DCM) (Herman DS et al. N. Engl. J. Med., 2012 Feb;366:619-28; Roberts AM et al. Sci Transl Med, 2015 Jan;7:270ra6). TTN truncating variants encoded in constitutive exons (PSI >90%) have been found to be significantly associated with DCM regardless of their position in titin (Schafer S et al. Nat. Genet., 2017 01;49:46-53). As such, this alteration is classified as likely pathogenic.

Literature cited by the submitters: PubMed 31353864 (cited by Mayo Clinic Laboratories, Mayo Clinic and Ambry Genetics); PubMed 32381727 (cited by Mayo Clinic Laboratories, Mayo Clinic).